The following is an entry in ClinVar:

ClinVar aggregate classification (germline): Uncertain significance (1 of 4 stars; one submission).

Conditions:
Osteogenesis imperfecta type I (OI1). Also called: OI, TYPE I; OSTEOGENESIS IMPERFECTA TARDA; OSTEOGENESIS IMPERFECTA WITH BLUE SCLERAE; Osteogenesis imperfecta type 1; Lobstein's Disease; Lobstein disease. Identifiers: Orphanet 216796, Orphanet 666, MedGen C0023931, MONDO:0008146, OMIM 166200. Disease mechanism: loss of function.

gnomAD v4.1: 3 of 1,594,146 alleles (0.00019%); highest among the groups gnomAD compares: East Asian, 0.0023%; no homozygotes.

Submission:

Labcorp Genetics (formerly Invitae), Labcorp
Classification: Uncertain significance for Osteogenesis imperfecta type I. Last evaluated: 2024-11-09. Review status: criteria provided, single submitter. Criteria: Invitae Variant Classification Sherloc (09022015). Collection method: clinical testing. Allele origin: germline.
Comment: This sequence change replaces proline, which is neutral and non-polar, with leucine, which is neutral and non-polar, at codon 343 of the COL1A1 protein (p.Pro343Leu). The frequency data for this variant in the population databases is considered unreliable, as metrics indicate poor data quality at this position in the gnomAD database. This variant has not been reported in the literature in individuals affected with COL1A1-related conditions. Invitae Evidence Modeling of protein sequence and biophysical properties (such as structural, functional, and spatial information, amino acid conservation, physicochemical variation, residue mobility, and thermodynamic stability) indicates that this missense variant is expected to disrupt COL1A1 protein function with a positive predictive value of 95%. In summary, the available evidence is currently insufficient to determine the role of this variant in disease. Therefore, it has been classified as a Variant of Uncertain Significance.

NM_000088.4(COL1A1):c.1028C>T (p.Pro343Leu)

Gene: COL1A1 (collagen type I alpha 1 chain; minus strand). Cytogenetic location: 17q21.33.
Variant type: single nucleotide variant.
Coding change: c.1028C>T on transcript NM_000088.4 (MANE Select); coding-DNA position 1028, C replaced by T.
Protein change: p.Pro343Leu; replaces proline 343 with leucine.
Molecular consequence: missense variant.
Genome position (GRCh38, 1-based): chr17:50,195,951, G>A on the plus strand (C>T on the coding strand, the complement: COL1A1 is on the minus strand). VCF-style: chr17-50195951-G-A. GRCh37 (hg19) VCF-style: chr17-48273312-G-A.
Other names: short protein forms P343L.
Identifiers: ClinVar variation 3665824 (VCV003665824.2).